The following is an entry in ClinVar:

ClinVar aggregate classification (germline): Pathogenic (1 of 4 stars; one submission).

Conditions:
Nemaline myopathy 2 (NEM2). Also called: Nemaline myopathy 2, autosomal recessive. Identifiers: MedGen C1850569, MONDO:0009725, OMIM 256030.

gnomAD v4.1: 1 of 1,612,618 alleles (0.000062%); highest among the groups gnomAD compares: Non-Finnish European, 0.000085%; no homozygotes.

Submission:

Myriad Genetics, Inc.
Classification: Pathogenic for Nemaline myopathy 2. Last evaluated: 2026-01-19. Review status: criteria provided, single submitter. Criteria: Myriad Autosomal Dominant, Autosomal Recessive and X-Linked Classification Criteria (2023). Collection method: clinical testing. Allele origin: unknown.
Comment: NM_001271208.1(NEB):c.303C>G(Y101*) is expected to be pathogenic in the context of NEB-related nemaline myopathy. This variant is predicted to lead to an abnormal or absent protein product due to the creation of a premature termination codon in NEB, a gene where loss-of-function variants are known to be pathogenic. Please note: this variant was assessed in the context of healthy population screening.

NM_001164508.2(NEB):c.303C>G (p.Tyr101Ter)

Gene: NEB (nebulin; minus strand). Cytogenetic location: 2q23.3.
Variant type: single nucleotide variant.
Coding change: c.303C>G on transcript NM_001164508.2 (MANE Select); coding-DNA position 303, C replaced by G.
Protein change: p.Tyr101Ter; replaces tyrosine 101 with a stop codon.
Molecular consequence: nonsense.
Genome position (GRCh38, 1-based): chr2:151,725,552, G>C on the plus strand (C>G on the coding strand, the complement: NEB is on the minus strand). VCF-style: chr2-151725552-G-C. GRCh37 (hg19) VCF-style: chr2-152582066-G-C.
Other names: c.303C>G, p.Tyr101Ter (NM_001164507.2, NM_001271208.2, NM_004543.5); short protein forms Y101*.
Identifiers: ClinVar variation 5015444 (VCV005015444.1).